The following is an entry in ClinVar:

ClinVar aggregate classification (germline): Uncertain significance (1 of 4 stars; one submission).

Submission:

Labcorp Genetics (formerly Invitae), Labcorp
Classification: Uncertain significance. Last evaluated: 2022-09-13. Review status: criteria provided, single submitter. Criteria: Invitae Variant Classification Sherloc (09022015). Collection method: clinical testing. Allele origin: germline.
Comment: In summary, the available evidence is currently insufficient to determine the role of this variant in disease. Therefore, it has been classified as a Variant of Uncertain Significance. Algorithms developed to predict the effect of missense changes on protein structure and function output the following: SIFT: "Tolerated"; PolyPhen-2: "Benign"; Align-GVGD: "Class C0". The glycine amino acid residue is found in multiple mammalian species, which suggests that this missense change does not adversely affect protein function. This variant has not been reported in the literature in individuals affected with PROM1-related conditions. This variant is not present in population databases (gnomAD no frequency). This sequence change replaces aspartic acid, which is acidic and polar, with glycine, which is neutral and non-polar, at codon 91 of the PROM1 protein (p.Asp91Gly).

NM_006017.3(PROM1):c.272A>G (p.Asp91Gly)

Gene: PROM1 (prominin 1; minus strand). Cytogenetic location: 4p15.32.
Variant type: single nucleotide variant.
Coding change: c.272A>G on transcript NM_006017.3 (MANE Select); coding-DNA position 272, A replaced by G.
Protein change: p.Asp91Gly; replaces aspartic acid 91 with glycine.
Molecular consequence: missense variant.
Genome position (GRCh38, 1-based): chr4:16,038,950, T>C on the plus strand (A>G on the coding strand, the complement: PROM1 is on the minus strand). VCF-style: chr4-16038950-T-C. GRCh37 (hg19) VCF-style: chr4-16040573-T-C.
Other names: c.272A>G, p.Asp91Gly (NM_001145847.2, NM_001145848.2, NM_001145849.2 and 6 more transcripts); short protein forms D91G.
Identifiers: ClinVar variation 1715909 (VCV001715909.5), dbSNP rs2530923507, ClinGen allele CA356429997.
Genomic context (GRCh38, chr4:16,038,950, plus strand): 5'-CAAAATTTTTCTCATACTTCGTATTTTTAATAATAAATACACCAATGAAAAATTACCTTG[T>C]CATAATCAATTTTGGATTCATATGCCTTCTGTAAGAATTTTCTCAAAGTATCTGGAAAAA-3'
Protein context (NP_006008.1, residues 81-101): QKAYESKIDY[Asp91Gly]KPETVILGLK